The following is an entry in ClinVar:

NM_053025.4(MYLK):c.4776G>A (p.Met1592Ile)

Gene: MYLK (myosin light chain kinase; minus strand). Cytogenetic location: 3q21.1.
Variant type: single nucleotide variant.
Coding change: c.4776G>A on transcript NM_053025.4 (MANE Select); coding-DNA position 4776, G replaced by A.
Protein change: p.Met1592Ile; replaces methionine 1592 with isoleucine.
Molecular consequence: missense variant.
Genome position (GRCh38, 1-based): chr3:123,640,348, C>T on the plus strand (G>A on the coding strand, the complement: MYLK is on the minus strand). VCF-style: chr3-123640348-C-T. GRCh37 (hg19) VCF-style: chr3-123359195-C-T.
Other names: c.4248G>A, p.Met1416Ile (NM_001321309.2); c.4569G>A, p.Met1523Ile (NM_053026.4, NM_053028.4); c.4776G>A, p.Met1592Ile (NM_053027.4); short protein forms M1592I, M1416I, M1523I.
Identifiers: ClinVar variation 3702919 (VCV003702919.4).

ClinVar aggregate classification (germline): Uncertain significance. Review status: criteria provided, multiple submitters, no conflicts (2 of 4 stars). 3 submissions from 3 submitters: Uncertain significance (3). Last evaluated 2025-08-16.

Conditions:
Familial thoracic aortic aneurysm and aortic dissection (TAAD). Also called: Thoracic aortic aneurysms and dissections. Identifiers: Orphanet 91387, MedGen C4707243, MONDO:0019625.
Aortic aneurysm, familial thoracic 7 (AAT7). Also called: AORTIC DISSECTION, FAMILIAL, WITH OR WITHOUT AORTIC ANEURYSM. Identifiers: MedGen C3151077, MONDO:0013418, OMIM 613780.

Submissions (3):

Labcorp Genetics (formerly Invitae), Labcorp
Classification: Uncertain significance for Aortic aneurysm, familial thoracic 7. Last evaluated: 2025-08-16. Review status: criteria provided, single submitter. Criteria: Invitae Variant Classification Sherloc (09022015). Collection method: clinical testing. Allele origin: germline.
Comment: This sequence change replaces methionine, which is neutral and non-polar, with isoleucine, which is neutral and non-polar, at codon 1592 of the MYLK protein (p.Met1592Ile). This variant is not present in population databases (gnomAD no frequency). This variant has not been reported in the literature in individuals affected with MYLK-related conditions. ClinVar contains an entry for this variant (Variation ID: 3702919). Invitae Evidence Modeling of protein sequence and biophysical properties (such as structural, functional, and spatial information, amino acid conservation, physicochemical variation, residue mobility, and thermodynamic stability) indicates that this missense variant is not expected to disrupt MYLK protein function with a negative predictive value of 80%. In summary, the available evidence is currently insufficient to determine the role of this variant in disease. Therefore, it has been classified as a Variant of Uncertain Significance.

Centre of Medical Genetics, University of Antwerp
Classification: Uncertain significance for Familial thoracic aortic aneurysm and aortic dissection. Last evaluated: 2024-09-06. Review status: criteria provided, single submitter. Criteria: ACMG Guidelines, 2015. Collection method: clinical testing. Allele origin: germline. Affected: yes.

Blueprint Genetics
Classification: Uncertain significance. Last evaluated: 2023-08-14. Review status: criteria provided, single submitter. Criteria: ACMG Guidelines, 2015. Collection method: clinical testing. Allele origin: germline.